The following is an entry in ClinVar:

ClinVar aggregate classification (germline): Pathogenic (1 of 4 stars; one submission).

Conditions:
Inborn genetic diseases. Identifiers: MedGen C0950123, MeSH D030342.

Submission:

Ambry Genetics
Classification: Pathogenic for Inborn genetic diseases. Last evaluated: 2019-04-14. Review status: criteria provided, single submitter. Criteria: Ambry Variant Classification Scheme 2023. Collection method: clinical testing. Allele origin: germline.
Comment: The c.99delC pathogenic mutation, located in coding exon 1 of the GRIN2B gene, results from a deletion of one nucleotide at nucleotide position 99, causing a translational frameshift with a predicted alternate stop codon (p.S34Afs*38). This mutation was identified in one individual with autism spectrum disorder and intellectual disability (O'Roak BJ et al. Science, 2012 Dec;338:1619-22; Iossifov I et al. Nature, 2014 Nov;515:216-21; Platzer K et al. J. Med. Genet., 2017 07;54:460-470). In addition to the clinical data presented in the literature, this alteration is expected to result in loss of function by premature protein truncation or nonsense-mediated mRNA decay. As such, this alteration is interpreted as a disease-causing mutation.

Literature cited by the submitters: PubMed 23160955; PubMed 25363768; PubMed 28377535.

NM_000834.5(GRIN2B):c.99del (p.Ser34fs)

Gene: GRIN2B (glutamate ionotropic receptor NMDA type subunit 2B; minus strand). Cytogenetic location: 12p13.1.
Variant type: Deletion.
Coding change: c.99del on transcript NM_000834.5 (MANE Select); coding-DNA position 99, one base deleted (C; older notation c.99delC).
Protein change: p.Ser34fs; shifts the reading frame from serine 34.
Molecular consequence: frameshift variant.
Genome position (GRCh38, 1-based): chr12:13,866,110, G deleted on the plus strand (C on the coding strand, the reverse complement: GRIN2B is on the minus strand); the first of 7 consecutive G bases (chr12:13,866,110-13,866,116); deleting any one gives the same sequence. VCF-style (leftmost placement, unchanged base first): chr12-13866109-TG-T. GRCh37 (hg19) VCF-style: chr12-14019043-TG-T.
Other names: c.93delC, p.Ser34Alafs (NM_001413992.1, NM_001413993.1, NM_001413994.1 and 1 more transcripts); short protein forms S34fs.
Identifiers: ClinVar variation 1768892 (VCV001768892.2), dbSNP rs398122823, ClinGen allele CA478853941.